The following is an entry in ClinVar:

ClinVar aggregate classification (germline): Conflicting classifications of pathogenicity. Review status: criteria provided, conflicting classifications (1 of 4 stars). 7 submissions from 7 submitters: Uncertain significance (1); Benign (1); Likely benign (5). Last evaluated 2025-07-13.

Conditions:
Multiple endocrine neoplasia, type 2 (MEN2). Identifiers: Orphanet 653, MedGen C4048306, MONDO:0019003. Disease mechanism: gain of function.
Multiple endocrine neoplasia type 2A. Also called: MULTIPLE ENDOCRINE NEOPLASIA, TYPE IIA; PTC SYNDROME; SIPPLE SYNDROME; MEN 2A; MEN-2A syndrome; Pheochromocytoma and amyloid producing medullary thyroid carcinoma. Identifiers: Orphanet 247698, Orphanet 653, MedGen C0025268, MeSH D018813, MONDO:0008234, OMIM 171400.
Multiple endocrine neoplasia type 2B. Also called: MUCOSAL NEUROMA SYNDROME; Multiple endocrine neoplasia, type 3; MULTIPLE ENDOCRINE NEOPLASIA, TYPE IIB; Multiple Endocrine Neoplasia Type 2B (MEN2B); MEN IIB; NEUROMATA, MUCOSAL, WITH ENDOCRINE TUMORS. Identifiers: Orphanet 247709, Orphanet 653, MedGen C0025269, MeSH D018814, MONDO:0008082, OMIM 162300.
Hirschsprung disease, susceptibility to, 1 (HSCR1). Also called: RET-Related Hirschsprung Disease. Identifiers: Orphanet 388, MedGen C3888239, MONDO:0007723, OMIM 142623.
Pheochromocytoma. Also called: MAX-Related Hereditary Paraganglioma-Pheochromocytoma Syndrome. Identifiers: Orphanet 29072, MedGen C0031511, MONDO:0008233, OMIM 171300, HP:0002666.
Familial medullary thyroid carcinoma (MTC). Also called: Familial Medullary Thyroid Carcinoma (FMTC); Thyroid cancer, familial medullary; MTC, familial. Identifiers: Orphanet 653, Orphanet 99361, MedGen C1833921, MONDO:0007958, OMIM 155240.
Hereditary cancer-predisposing syndrome. Also called: Hereditary neoplastic syndrome; Neoplastic Syndromes, Hereditary; Tumor predisposition; Hereditary Cancer Syndrome. Identifiers: Orphanet 140162, MedGen C0027672, MeSH D009386, MONDO:0015356.

Submissions (7):

Labcorp Genetics (formerly Invitae), Labcorp
Classification: Likely benign for Multiple endocrine neoplasia, type 2. Last evaluated: 2025-07-13. Review status: criteria provided, single submitter. Criteria: Invitae Variant Classification Sherloc (09022015). Collection method: clinical testing. Allele origin: germline.

Myriad Genetics, Inc.
Classification: Benign for Multiple endocrine neoplasia type 2A. Last evaluated: 2025-02-26. Review status: criteria provided, single submitter. Criteria: Myriad Autosomal Dominant, Autosomal Recessive and X-Linked Classification Criteria (2023). Collection method: clinical testing. Allele origin: unknown.
Comment: This variant is considered benign. This variant is a silent/synonymous amino acid change and it is not expected to impact splicing.

Quest Diagnostics Nichols Institute San Juan Capistrano
Classification: Uncertain significance. Last evaluated: 2024-07-10. Review status: criteria provided, single submitter. Criteria: Quest Diagnostics criteria. Collection method: clinical testing. Allele origin: unknown.

All of Us Research Program, National Institutes of Health
Classification: Likely benign for Multiple endocrine neoplasia, type 2. Last evaluated: 2024-05-14. Review status: criteria provided, single submitter. Criteria: ACMG Guidelines, 2015. Collection method: clinical testing. Allele origin: germline. Inheritance: Autosomal dominant inheritance. Observed: 1 variant allele, 1 heterozygote.
Comment: This study involves interpretation of variants in research participants for the purpose of population health screening. Participant phenotype was not available at the time of variant classification. Additional details can be found in publication PMID: 35346344, PMCID: PMC8962531

Color Diagnostics, LLC DBA Color Health
Classification: Likely benign for Multiple endocrine neoplasia, type 2. Last evaluated: 2022-11-06. Review status: criteria provided, single submitter. Criteria: ACMG Guidelines, 2015. Collection method: clinical testing. Allele origin: germline.

Ambry Genetics
Classification: Likely benign for Hereditary cancer-predisposing syndrome. Last evaluated: 2022-03-11. Review status: criteria provided, single submitter. Criteria: Ambry Variant Classification Scheme 2023. Collection method: clinical testing. Allele origin: germline.

Fulgent Genetics
Classification: Likely benign for Hirschsprung disease, susceptibility to, 1; Familial medullary thyroid carcinoma; Multiple endocrine neoplasia type 2B; Pheochromocytoma; Multiple endocrine neoplasia type 2A. Last evaluated: 2021-12-29. Review status: criteria provided, single submitter. Criteria: ACMG Guidelines, 2015. Collection method: clinical testing. Allele origin: unknown.

NM_020975.6(RET):c.2089C>T (p.Leu697=)

Gene: RET (ret proto-oncogene; plus strand). Cytogenetic location: 10q11.21.
Variant type: single nucleotide variant.
Coding change: c.2089C>T on transcript NM_020975.6 (MANE Select); coding-DNA position 2089, C replaced by T.
Protein change: p.Leu697=; no amino-acid change (leucine 697 retained).
Molecular consequence: synonymous variant.
Genome position (GRCh38, 1-based): chr10:43,114,689, C>T. VCF-style: chr10-43114689-C-T. GRCh37 (hg19) VCF-style: chr10-43610137-C-T.
Other names: c.2089C>T, p.Leu697= (NM_000323.2, NM_001406743.1, NM_001406744.1 and 4 more transcripts); c.1327C>T, p.Leu443= (NM_001355216.2); c.1960C>T, p.Leu654= (NM_001406761.1, NM_001406762.1, NM_001406764.1); c.1954C>T, p.Leu652= (NM_001406763.1, NM_001406765.1); c.1801C>T, p.Leu601= (NM_001406766.1, NM_001406767.1, NM_001406770.1); c.1825C>T, p.Leu609= (NM_001406768.1); c.1693C>T, p.Leu565= (NM_001406769.1, NM_001406772.1); c.1651C>T, p.Leu551= (NM_001406771.1, NM_001406773.1); and 10 more.
Identifiers: ClinVar variation 698368 (VCV000698368.19), dbSNP rs1588874416, ClinGen allele CA469479981.